The following is an entry in ClinVar:

ClinVar aggregate classification (germline): Likely pathogenic (1 of 4 stars; one submission).

Conditions:
Glycogen storage disease, type II (IOPD). Also called: Pompe Disease; CARDIOMEGALIA GLYCOGENICA DIFFUSA; GLYCOGENOSIS, GENERALIZED, CARDIAC FORM; GSD II; POMPE DISEASE, INFANTILE-ONSET; GLYCOGEN STORAGE DISEASE II, INFANTILE-ONSET. Identifiers: Orphanet 365, MedGen C0017921, MONDO:0009290, OMIM 232300.

Submission:

Genomenon, Inc
Classification: Likely pathogenic for Glycogen storage disease, type II. Last evaluated: 2026-07-01. Review status: criteria provided, single submitter. Criteria: Genomenon Sequence Variant Interpretation Standards - Updated. Collection method: curation. Allele origin: germline. Affected: yes.
Comment: GAA p.Ala844_Leu847del (c.2530_2541del) is an in-frame deletion that results in the loss of multiple amino acids, from Alanine at codon 844 to Leucine at codon 847. This variant has been observed in at least one proband with a GAA-related disorder in the compound heterozygous and/or homozygous state (PMID:27858647;30312517;26830551;24158270;25673129;18285536). It is absent or not present at a significant frequency in gnomAD. In conclusion, we classify GAA p.Ala844_Leu847del (c.2530_2541del) as a likely pathogenic variant.

Literature cited by the submitters: PubMed 27858647; PubMed 30312517; PubMed 26830551; PubMed 24158270; PubMed 25673129; PubMed 18285536.

NM_000152.5(GAA):c.2530_2541del (p.Ala844_Leu847del)

Gene: GAA (alpha glucosidase; plus strand). Cytogenetic location: 17q25.3.
Variant type: Deletion.
Coding change: c.2530_2541del on transcript NM_000152.5 (MANE Select); coding-DNA positions 2530 to 2541, 12 bases deleted (GCTGTGGCCCTG).
Protein change: p.Ala844_Leu847del.
Molecular consequence: inframe deletion.
Genome position (GRCh38, 1-based): chr17:80,118,241-80,118,252, GCTGTGGCCCTG deleted; deleting any 12 consecutive bases within chr17:80,118,233-80,118,252 gives the same sequence; the c. name uses the placement nearest the transcript's 3' end. VCF-style (leftmost placement, unchanged base first): chr17-80118232-ATGGCCCTGGCTG-A. GRCh37 (hg19) VCF-style: chr17-78092031-ATGGCCCTGGCTG-A.
Other names: c.2530_2541del, p.Ala844_Leu847del (NM_001079803.3, NM_001079804.3, NM_001406741.1 and 1 more transcripts).
Identifiers: ClinVar variation 4876446 (VCV004876446.1).